The following is an entry in ClinVar:

ClinVar aggregate classification (germline): Uncertain significance. Review status: criteria provided, multiple submitters, no conflicts (2 of 4 stars). 2 submissions from 2 submitters: Uncertain significance (2). Last evaluated 2025-10-02.

Conditions:
Mucopolysaccharidosis, MPS-III-B (MPS3B). Also called: N-ACETYL-ALPHA-D-GLUCOSAMINIDASE DEFICIENCY; NAGLU DEFICIENCY; SANFILIPPO SYNDROME B; MPS III B; MPS IIIB (Sanfilippo Syndrome Type B); MUCOPOLYSACCHARIDOSIS, TYPE IIIB. Identifiers: Orphanet 79270, MedGen C0086648, MONDO:0009656, OMIM 252920.
Charcot-Marie-Tooth disease axonal type 2V. Also called: CHARCOT-MARIE-TOOTH NEUROPATHY, TYPE 2V; CHARCOT-MARIE-TOOTH DISEASE, AXONAL, AUTOSOMAL DOMINANT, TYPE 2V. Identifiers: Orphanet 447964, MedGen C5569050, MONDO:0014665, OMIM 616491.
Inborn genetic diseases. Identifiers: MedGen C0950123, MeSH D030342.

Allele frequency attached by ClinVar (database versions not stated): gnomAD 0.00001.

Submissions (2):

Ambry Genetics
Classification: Uncertain significance for Inborn genetic diseases. Last evaluated: 2025-10-02. Review status: criteria provided, single submitter. Criteria: Ambry Variant Classification Scheme 2023. Collection method: clinical testing. Allele origin: germline.

Labcorp Genetics (formerly Invitae), Labcorp
Classification: Uncertain significance for Charcot-Marie-Tooth disease axonal type 2V; Mucopolysaccharidosis, MPS-III-B. Last evaluated: 2022-10-17. Review status: criteria provided, single submitter. Criteria: Invitae Variant Classification Sherloc (09022015). Collection method: clinical testing. Allele origin: germline.
Comment: This sequence change replaces alanine, which is neutral and non-polar, with serine, which is neutral and polar, at codon 37 of the NAGLU protein (p.Ala37Ser). This variant is not present in population databases (gnomAD no frequency). This variant has not been reported in the literature in individuals affected with NAGLU-related conditions. ClinVar contains an entry for this variant (Variation ID: 1428306). Algorithms developed to predict the effect of missense changes on protein structure and function output the following: SIFT: "Tolerated"; PolyPhen-2: "Not Available"; Align-GVGD: "Class C0". The serine amino acid residue is found in multiple mammalian species, which suggests that this missense change does not adversely affect protein function. In summary, the available evidence is currently insufficient to determine the role of this variant in disease. Therefore, it has been classified as a Variant of Uncertain Significance.

NM_000263.4(NAGLU):c.109G>T (p.Ala37Ser)

Genes: NAGLU (N-acetyl-alpha-glucosaminidase; plus strand), LOC130060903 (ATAC-STARR-seq lymphoblastoid silent region 8533; plus strand). Cytogenetic location: 17q21.2.
Variant type: single nucleotide variant.
Coding change: c.109G>T on transcript NM_000263.4 (MANE Select); coding-DNA position 109, G replaced by T.
Protein change: p.Ala37Ser; replaces alanine 37 with serine.
Molecular consequence: missense variant.
Genome position (GRCh38, 1-based): chr17:42,536,381, G>T. VCF-style: chr17-42536381-G-T. GRCh37 (hg19) VCF-style: chr17-40688399-G-T.
Other names: c.109G>T (NM_000263.3); short protein forms A37S.
Identifiers: ClinVar variation 1428306 (VCV001428306.4), dbSNP rs2092906065, ClinGen allele CA399595328.